The following is an entry in ClinVar:

NM_001384125.1(BLTP1):c.13928A>C (p.Asp4643Ala)

Gene: BLTP1 (bridge-like lipid transfer protein family member 1; plus strand). Cytogenetic location: 4q27.
Variant type: single nucleotide variant.
Coding change: c.13928A>C on transcript NM_001384125.1 (MANE Select); coding-DNA position 13928, A replaced by C.
Protein change: p.Asp4643Ala; replaces aspartic acid 4643 with alanine.
Molecular consequence: missense variant.
Genome position (GRCh38, 1-based): chr4:122,349,889, A>C. VCF-style: chr4-122349889-A-C. GRCh37 (hg19) VCF-style: chr4-123271044-A-C.
Other names: c.13664A>C, p.Asp4555Ala (NM_015312.4); short protein forms D4555A, D4643A.
Identifiers: ClinVar variation 1315453 (VCV001315453.4), dbSNP rs2150314152, ClinGen allele CA358093953.

ClinVar aggregate classification (germline): Uncertain significance (1 of 4 stars; one submission).

Submission:

GeneDx
Classification: Uncertain significance. Last evaluated: 2023-09-19. Review status: criteria provided, single submitter. Criteria: GeneDx Variant Classification Process June 2021. Collection method: clinical testing. Allele origin: germline. Affected: yes.
Comment: Not observed in large population cohorts (gnomAD); In silico analysis supports that this missense variant has a deleterious effect on protein structure/function; Has not been previously published as pathogenic or benign to our knowledge